The following is an entry in ClinVar:

NM_032322.4(RNF135):c.573C>T (p.Asp191=)

Gene: RNF135 (ring finger protein 135; plus strand). Cytogenetic location: 17q11.2.
Variant type: single nucleotide variant.
Coding change: c.573C>T on transcript NM_032322.4 (MANE Select); coding-DNA position 573, C replaced by T.
Protein change: p.Asp191=; no amino-acid change (aspartic acid 191 retained).
Molecular consequence: synonymous variant. On other transcripts: intron variant (1).
Genome position (GRCh38, 1-based): chr17:30,988,000, C>T. VCF-style: chr17-30988000-C-T. GRCh37 (hg19) VCF-style: chr17-29315018-C-T.
Other names: c.573C>T, p.Asp191= (NM_001184992.2); c.516+3240C>T (NM_197939.2).
Identifiers: ClinVar variation 708740 (VCV000708740.28), dbSNP rs141533583, ClinGen allele CA8485234.
Genomic context (GRCh38, chr17:30,988,000, plus strand): 5'-ATAGGCTTTTTCTTCTGGGGTGGATCTTTCCATGGCTTCTCCAAAGCTGGTGACTTCCGA[C>T]ACAGCTGCAGGGAAAATCAGAGATATTCTCCATGACCTAGAAGAAATTCAGGAAAAATTA-3'
Protein context (NP_115698.3, residues 181-201): SMASPKLVTS[Asp191=]TAAGKIRDIL

ClinVar aggregate classification (germline): Benign/Likely benign. Review status: criteria provided, multiple submitters, no conflicts (2 of 4 stars). 5 submissions from 5 submitters: Benign (3); Likely benign (2). Last evaluated 2026-03-01.

Allele frequency attached by ClinVar (database versions not stated): 1000 Genomes Project 30x 0.00016; 1000 Genomes Project 0.00020; gnomAD 0.00065 and 0.00073; ExAC 0.00086; TOPMed 0.00088; gnomAD exomes 0.00093 and 0.00114; ESP Exome Variant Server 0.00108.
gnomAD v4.1: 1,794 of 1,614,018 alleles (0.11%); highest among the groups gnomAD compares: Middle Eastern, 0.4%; 3 homozygotes.

Submissions (5):

CeGaT Center for Human Genetics Tuebingen
Classification: Likely benign. Last evaluated: 2026-03-01. Review status: criteria provided, single submitter. Criteria: CeGaT Center For Human Genetics Tuebingen Variant Classification Criteria Version 2. Collection method: clinical testing. Allele origin: germline. Affected: yes. Observed: 2 variant alleles.
Comment: RNF135: BP4, BP7

Blueprint Genetics
Classification: Likely benign. Last evaluated: 2024-11-28. Review status: criteria provided, single submitter. Criteria: ACMG Guidelines, 2015. Collection method: clinical testing. Allele origin: germline.

GeneDx
Classification: Benign. Last evaluated: 2020-10-26. Review status: criteria provided, single submitter. Criteria: GeneDx Variant Classification Process June 2021. Collection method: clinical testing. Allele origin: germline. Affected: yes.

Labcorp Genetics (formerly Invitae), Labcorp
Classification: Benign. Last evaluated: 2019-12-31. Review status: criteria provided, single submitter. Criteria: Invitae Variant Classification Sherloc (09022015). Collection method: clinical testing. Allele origin: germline.

Breakthrough Genomics
Classification: Benign. Review status: criteria provided, single submitter. Criteria: ACMG Guidelines, 2015. Collection method: not provided. Allele origin: germline. Inheritance: Unknown mechanism. Affected: yes.